The following is an entry in ClinVar:

NM_013432.5(TONSL):c.1040C>T (p.Pro347Leu)

Gene: TONSL (tonsoku like, DNA repair protein; minus strand). Cytogenetic location: 8q24.3.
Variant type: single nucleotide variant.
Coding change: c.1040C>T on transcript NM_013432.5 (MANE Select); coding-DNA position 1040, C replaced by T.
Protein change: p.Pro347Leu; replaces proline 347 with leucine.
Molecular consequence: missense variant.
Genome position (GRCh38, 1-based): chr8:144,440,842, G>A on the plus strand (C>T on the coding strand, the complement: TONSL is on the minus strand). VCF-style: chr8-144440842-G-A. GRCh37 (hg19) VCF-style: chr8-145666225-G-A.
Other names: c.1040C>T (NM_013432.4); short protein forms P347L.
Identifiers: ClinVar variation 1359542 (VCV001359542.7), dbSNP rs752005007, ClinGen allele CA4943407.
Genomic context (GRCh38, chr8:144,440,842, plus strand): 5'-TCCTTCATGTCTCCCAGTGTGGTGGCCAGGGACACGTGGATGATGGCCCGCTCAGCACCC[G>A]GTCTGTCCAGCAGCTCAGCAAAACGCAGCTGGGGGCAGTGCCAGTGAGGCCAGGGGCTGC-3'
Protein context (NP_038460.4, residues 337-357): QLRFAELLDR[Pro347Leu]GAERAIIHVS

ClinVar aggregate classification (germline): Uncertain significance. Review status: criteria provided, multiple submitters, no conflicts (2 of 4 stars). 2 submissions from 2 submitters: Uncertain significance (2). Last evaluated 2025-05-20.

Conditions:
Inborn genetic diseases. Identifiers: MedGen C0950123, MeSH D030342.

Allele frequency attached by ClinVar (database versions not stated): TOPMed 0.00002; gnomAD 0.00003 and 0.00004.
gnomAD v4.1: 23 of 1,612,732 alleles (0.0014%); highest among the groups gnomAD compares: African/African-American, 0.0053%; no homozygotes.

Submissions (2):

Ambry Genetics
Classification: Uncertain significance for Inborn genetic diseases. Last evaluated: 2025-05-20. Review status: criteria provided, single submitter. Criteria: Ambry Variant Classification Scheme 2023. Collection method: clinical testing. Allele origin: germline.

Labcorp Genetics (formerly Invitae), Labcorp
Classification: Uncertain significance. Last evaluated: 2021-06-03. Review status: criteria provided, single submitter. Criteria: Invitae Variant Classification Sherloc (09022015). Collection method: clinical testing. Allele origin: germline.
Comment: In summary, the available evidence is currently insufficient to determine the role of this variant in disease. Therefore, it has been classified as a Variant of Uncertain Significance. Algorithms developed to predict the effect of missense changes on protein structure and function are either unavailable or do not agree on the potential impact of this missense change (SIFT: "Deleterious"; PolyPhen-2: "Probably Damaging"; Align-GVGD: "Class C15"). This variant has not been reported in the literature in individuals with TONSL-related conditions. This variant is present in population databases (rs752005007, ExAC 0.01%). This sequence change replaces proline with leucine at codon 347 of the TONSL protein (p.Pro347Leu). The proline residue is highly conserved and there is a moderate physicochemical difference between proline and leucine.